The following is an entry in ClinVar:

ClinVar aggregate classification (germline): Conflicting classifications of pathogenicity. Review status: criteria provided, conflicting classifications (1 of 4 stars). 11 submissions from 11 submitters: Uncertain significance (8); Likely benign (2). 1 of the submissions does not count toward it. Last evaluated 2026-05-01.

Conditions:
Cystic fibrosis (CF). Also called: MUCOVISCIDOSIS. Identifiers: Orphanet 586, MedGen C0010674, MONDO:0009061, OMIM 219700. Disease mechanism: loss of function.
CFTR-related disorder (CFTR-RD). Also called: CFTR-related disorders; CFTR-related condition. Identifiers: MedGen C5924204, MONDO:7770004.

Allele frequency attached by ClinVar (database versions not stated): TOPMed 0.00005; gnomAD 0.00018 and 0.00004; ExAC 0.00020; 1000 Genomes Project 30x 0.00078; 1000 Genomes Project 0.00100.
gnomAD v4.1: 608 of 1,602,446 alleles (0.038%); highest among the groups gnomAD compares: East Asian, 1.3%; 7 homozygotes.

Submissions (12):

CeGaT Center for Human Genetics Tuebingen
Classification: Likely benign. Last evaluated: 2026-05-01. Review status: criteria provided, single submitter. Criteria: CeGaT Center For Human Genetics Tuebingen Variant Classification Criteria Version 2. Collection method: clinical testing. Allele origin: germline. Affected: yes. Observed: 1 variant allele.
Comment: CFTR: PP3, BS1

Labcorp Genetics (formerly Invitae), Labcorp
Classification: Likely benign for Cystic fibrosis. Last evaluated: 2026-01-20. Review status: criteria provided, single submitter. Criteria: Invitae Variant Classification Sherloc (09022015). Collection method: clinical testing. Allele origin: germline.

Ambry Genetics
Classification: Uncertain significance for Cystic fibrosis. Last evaluated: 2025-03-04. Review status: criteria provided, single submitter. Criteria: Ambry Variant Classification Scheme 2023. Collection method: clinical testing. Allele origin: germline.
Comment: The c.3468G>T variant (also known as p.L1156F), located in coding exon 21 of the CFTR gene, results from a G to T substitution at nucleotide position 3468. The amino acid change results in leucine to phenylalanine at codon 1156, an amino acid with highly similar properties. However, this change occurs in the last base pair of coding exon 21, which makes it likely to have some effect on normal mRNA splicing. This variant has been reported in multiple individuals diagnosed with idiopathic, familial, hereditary, and alcoholic pancreatitis, including one individual with alcoholic pancreatitis who was homozygous for this alteration (Nakano E, Dig. Dis. Sci. 2015 May; 60(5):1297-307; Kondo S, Am. J. Physiol. Gastrointest. Liver Physiol. 2015 Aug; 309(4):G260-9). This nucleotide position is highly conserved in available vertebrate species. This amino acid position is well conserved in available vertebrate species. In silico splice site analysis predicts that this alteration will weaken the native splice donor site. In addition, as a missense substitution, this alteration is predicted to be deleterious by in silico analysis. Based on the available evidence, the clinical significance of this alteration remains unclear.

Blueprint Genetics
Classification: Uncertain significance. Last evaluated: 2024-11-11. Review status: criteria provided, single submitter. Criteria: ACMG Guidelines, 2015. Collection method: clinical testing. Allele origin: germline.

ARUP Laboratories, Molecular Genetics and Genomics, ARUP Laboratories
Classification: Uncertain significance. Last evaluated: 2024-10-17. Review status: criteria provided, single submitter. Criteria: ARUP Molecular Germline Variant Investigation Process 2024. Collection method: clinical testing. Allele origin: germline.
Comment: The CFTR c.3468G>T; p.Leu1156Phe variant (rs139729994) has been described in several individuals affected with CFTR-related disorders but is also present in healthy controls (see link for SickKids CFTR database, Iso 2019, Kondo 2015, Li 2022, Nakano 2015). It is reported in ClinVar (Variation ID: 455775) and is observed in the East Asian population at an allele frequency of 0.16% (30/18,378 alleles) in the Genome Aggregation Database (v2.1.1). Additionally, another variant at this codon (c.3468G>A; p.Leu1156Leu) has been described in individuals with a pancreatic sufficient form of cystic fibrosis who harbored another pathogenic variant on the opposite chromosome, in a homozygous individual with pancreatitis, and an individual with congenital bilateral absence of vas deferens (see link for SickKids CFTR database, Claustres 2017). The p.Leu1156Phe variant is in the last nucleotide of exon 21 and computational analyses (Alamut Visual Plus v.1.5.1) predict that this variant may impact splicing by weakening the nearby canonical donor splice site. In vitro analyses of this variant demonstrate reduced protein expression and chloride transport activity when found with the Met470Val variant on the same chromosome, but no effect was seen in the presence of this variant alone (Kondo 2015). Due to conflicting information, the clinical significance of this variant is uncertain at this time. References: Link to Cystic Fibrosis Mutation Database: Claustres M et al. CFTR-France, a national relational patient database for sharing genetic and phenotypic data associated with rare CFTR variants. Hum Mutat. 2017 Oct;38(10):1297-1315. PMID: 28603918. Iso M et al. The CFTR gene variants in Japanese children with idiopathic pancreatitis. Hum Genome Var. 2019 Apr 11;6:17. PMID: 30992994. Li Q et al. Mutations in CFTR genes are associated with oligoasthenospermia in infertile men undergoing IVF. Andrologia. 2022 Apr;54(3):e14355. PMID: 34931337. Kondo S et al. Functional characteristics of L1156F-CFTR associated with alcoholic chronic pancreatitis in Japanese. Am J Physiol Gastrointest Liver Physiol. 2015 Aug 15;309(4):G260-9. PMID: 26089335. Nakano E et al. Targeted next-generation sequencing effectively analyzed the cystic fibrosis transmembrane conductance regulator gene in pancreatitis. Dig Dis Sci. 2015 May;60(5):1297-307. PMID: 25492507.

Mayo Clinic Laboratories, Mayo Clinic
Classification: Uncertain significance. Last evaluated: 2023-12-12. Review status: criteria provided, single submitter. Criteria: ACMG Guidelines, 2015. Collection method: clinical testing. Allele origin: germline. Observed: 1 variant allele.
Comment: PP3, PM2_moderate

Women's Health and Genetics/Laboratory Corporation of America, LabCorp
Classification: Uncertain significance. Last evaluated: 2022-12-19. Review status: criteria provided, single submitter. Criteria: LabCorp Variant Classification Summary - May 2015. Collection method: clinical testing. Allele origin: germline.
Comment: Variant summary: CFTR c.3468G>T (p.Leu1156Phe) involves the alteration of a conserved nucleotide located in the last position of exon 21. 3/4 splice prediction tools predict a slight weakening of a canonical 5' splice donor site. However, these predictions have yet to be confirmed by functional studies. In the absence of splice change the variant would result in a non-conservative amino acid change that is located in the ABC transporter type 1, transmembrane domain (IPR011527) of the encoded protein sequence. Three of five in-silico tools predict a damaging effect of the variant on protein function. The variant allele was found at a frequency of 0.00014 in 251130 control chromosomes, predominantly within the East Asian subpopulation at a frequency of 0.0016 in the gnomAD database. This frequency is lower than estimated for a pathogenic variant in CFTR causing CFTR-related diseases (0.0016 vs. 0.013), allowing no conclusion about variant significance. The variant has been reported in two publications to be statistically associated with idiopathic and alcoholic chronic pancreatitis in Japanese patients (example, Kondo 2015, Nakano 2015, Iso_2019), however the sample size in these case-control studies was small and the authors did not adjust for the effect of other likely pathogenic or pathogenic CFTR, SPINK1, and CTRC variants that were found in co-occurrence in several patients in these cohorts. Another study reports this variant as a non-informative genotype (second allele or zygosity not specified) in at-least two Chinese individuals, one with CAVD and another with oligoasthenospermia (example, Li_2022). These report(s) do not provide unequivocal conclusions about association of the variant with CFTR-Related Diseases. At least one publication reports experimental evidence evaluating an impact on protein function, showing that CFTR expression, Cl- current, HCO3- and Cl- transport was not different from wild-type in cells expressing the variant of interest, however, Cl-/HCO3- exchange activity was reduced to 30% of the wild-type levels and two patients had higher than normal sweat chloride levels (Kondo 2015). The variant of interest in combination with a benign polymorphism (V470M) had reduced CFTR expression (to 60-70%), CFTR-mediated HCO3-/Cl- transport (to 50-60%) and the Cl-/HCO3-exchange activity (to 2030%) compared to wild-type (Kondo 2015). Five other clinical diagnostic laboratories have submitted clinical-significance assessments for this variant to ClinVar after 2014 without evidence for independent evaluation, and classified the variant as likely benign (n=1), VUS (n=4). Based on all these conflicting evidence outlined above, the variant was classified as a VUS, until more definitive functional and clinical studies become available.

Revvity Omics, Revvity
Classification: Uncertain significance. Last evaluated: 2021-10-04. Review status: criteria provided, single submitter. Criteria: ACMG Guidelines, 2015. Collection method: clinical testing. Allele origin: germline.

Mendelics
Classification: Uncertain significance for Cystic fibrosis. Last evaluated: 2018-11-05. Review status: criteria provided, single submitter. Criteria: Mendelics Assertion Criteria 2017. Collection method: clinical testing. Allele origin: unknown. Affected: yes.

Illumina Laboratory Services, Illumina
Classification: Uncertain significance for CFTR-Related Disorders. Last evaluated: 2017-04-27. Review status: criteria provided, single submitter. Criteria: ICSL Variant Classification Criteria 13 December 2019. Collection method: clinical testing. Allele origin: germline.

Natera, Inc.
Classification: Uncertain significance for Cystic Fibrosis. Last evaluated: 2018-05-29. Review status: no assertion criteria provided. Collection method: clinical testing. Allele origin: germline. Not counted in ClinVar's aggregate classification.

Dr. Peter K. Rogan Lab, Western University
No classification provided (evidence only). Condition: Uterine carcinosarcoma. Review status: no classification provided. Collection method: in vitro. Allele origin: not applicable. Functional consequence: skipped exon. Not counted in ClinVar's aggregate classification.

Literature cited by the submitters: PubMed 25492507 (cited by 3 submitters); PubMed 26089335 (cited by 3 submitters); PubMed 30992994 (cited by 3 submitters); PubMed 37313453 (cited by Mayo Clinic Laboratories, Mayo Clinic); PubMed 34931337 (cited by Women's Health and Genetics/Laboratory Corporation of America, LabCorp).

NM_000492.4(CFTR):c.3468G>T (p.Leu1156Phe)

Genes: CFTR (CF transmembrane conductance regulator; plus strand), CFTR-AS2 (CFTR antisense RNA 2; minus strand). Cytogenetic location: 7q31.2.
Variant type: single nucleotide variant.
Coding change: c.3468G>T on transcript NM_000492.4 (MANE Select); coding-DNA position 3468, G replaced by T.
Protein change: p.Leu1156Phe; replaces leucine 1156 with phenylalanine.
Molecular consequence: missense variant.
Genome position (GRCh38, 1-based): chr7:117,614,713, G>T. VCF-style: chr7-117614713-G-T. GRCh37 (hg19) VCF-style: chr7-117254767-G-T.
Other names: p.Leu1156Phe; short protein forms L1156F.
Identifiers: ClinVar variation 455775 (VCV000455775.34), dbSNP rs139729994, ClinGen allele CA4451462.